The following is an entry in ClinVar:

ClinVar aggregate classification (germline): Uncertain significance. Review status: criteria provided, multiple submitters, no conflicts (2 of 4 stars). 3 submissions from 3 submitters: Uncertain significance (3). Last evaluated 2024-10-23.

Allele frequency attached by ClinVar (database versions not stated): ExAC 0.00002; TOPMed 0.00002; gnomAD 0.00003; gnomAD exomes 0.00003.
gnomAD v4.1: 78 of 1,604,458 alleles (0.0049%); highest among the groups gnomAD compares: Non-Finnish European, 0.0065%; no homozygotes.

Submissions (3):

Labcorp Genetics (formerly Invitae), Labcorp
Classification: Uncertain significance. Last evaluated: 2024-10-23. Review status: criteria provided, single submitter. Criteria: Invitae Variant Classification Sherloc (09022015). Collection method: clinical testing. Allele origin: germline.
Comment: This sequence change creates a premature translational stop signal (p.Gln824*) in the CDHR1 gene. While this is not anticipated to result in nonsense mediated decay, it is expected to disrupt the last 36 amino acid(s) of the CDHR1 protein. This variant is present in population databases (rs762298688, gnomAD 0.005%). This variant has not been reported in the literature in individuals affected with CDHR1-related conditions. ClinVar contains an entry for this variant (Variation ID: 281923). Experimental studies and prediction algorithms are not available or were not evaluated, and the functional significance of this variant is currently unknown. In summary, the available evidence is currently insufficient to determine the role of this variant in disease. Therefore, it has been classified as a Variant of Uncertain Significance.

Blueprint Genetics
Classification: Uncertain significance. Last evaluated: 2022-06-16. Review status: criteria provided, single submitter. Criteria: ACMG Guidelines, 2015. Collection method: clinical testing. Allele origin: germline.

Eurofins Ntd Llc (ga)
Classification: Uncertain significance. Last evaluated: 2015-07-10. Review status: criteria provided, single submitter. Criteria: EGL Classification Definitions 2015. Collection method: clinical testing. Allele origin: germline. Observed: 3 variant alleles, 3 heterozygotes.

NM_033100.4(CDHR1):c.2470C>T (p.Gln824Ter)

Gene: CDHR1 (cadherin related family member 1; plus strand). Cytogenetic location: 10q23.1.
Variant type: single nucleotide variant.
Coding change: c.2470C>T on transcript NM_033100.4 (MANE Select); coding-DNA position 2470, C replaced by T.
Protein change: p.Gln824Ter; replaces glutamine 824 with a stop codon.
Molecular consequence: nonsense. On other transcripts: intron variant (1).
Genome position (GRCh38, 1-based): chr10:84,214,511, C>T. VCF-style: chr10-84214511-C-T. GRCh37 (hg19) VCF-style: chr10-85974267-C-T.
Other names: c.2040+1163C>T (NM_001171971.3); short protein forms Q824*.
Identifiers: ClinVar variation 281923 (VCV000281923.10), dbSNP rs762298688, ClinGen allele CA5580248.